The following is an entry in ClinVar:

NM_004371.4(COPA):c.2773C>G (p.Gln925Glu)

Gene: COPA (coat protein complex I subunit alpha; minus strand). Cytogenetic location: 1q23.2.
Variant type: single nucleotide variant.
Coding change: c.2773C>G on transcript NM_004371.4 (MANE Select); coding-DNA position 2773, C replaced by G.
Protein change: p.Gln925Glu; replaces glutamine 925 with glutamic acid.
Molecular consequence: missense variant.
Genome position (GRCh38, 1-based): chr1:160,293,216, G>C on the plus strand (C>G on the coding strand, the complement: COPA is on the minus strand). VCF-style: chr1-160293216-G-C. GRCh37 (hg19) VCF-style: chr1-160263006-G-C.
Other names: c.2800C>G, p.Gln934Glu (NM_001098398.2); short protein forms Q934E, Q925E.
Identifiers: ClinVar variation 2101818 (VCV002101818.4), dbSNP rs2525352679, ClinGen allele CA343274849.

ClinVar aggregate classification (germline): Uncertain significance (1 of 4 stars; one submission).

Conditions:
Autoimmune interstitial lung disease-arthritis syndrome. Also called: Autoinflammation and autoimmunity, systemic, with immune dysregulation. Identifiers: Orphanet 444092, MedGen C5975714, MONDO:0014629.

Submission:

Labcorp Genetics (formerly Invitae), Labcorp
Classification: Uncertain significance for Autoimmune interstitial lung disease-arthritis syndrome. Last evaluated: 2022-02-22. Review status: criteria provided, single submitter. Criteria: Invitae Variant Classification Sherloc (09022015). Collection method: clinical testing. Allele origin: germline.
Comment: This variant is not present in population databases (gnomAD no frequency). In summary, the available evidence is currently insufficient to determine the role of this variant in disease. Therefore, it has been classified as a Variant of Uncertain Significance. Advanced modeling of protein sequence and biophysical properties (such as structural, functional, and spatial information, amino acid conservation, physicochemical variation, residue mobility, and thermodynamic stability) performed at Invitae indicates that this missense variant is not expected to disrupt COPA protein function. This variant has not been reported in the literature in individuals affected with COPA-related conditions. This sequence change replaces glutamine, which is neutral and polar, with glutamic acid, which is acidic and polar, at codon 925 of the COPA protein (p.Gln925Glu).